The following is an entry in ClinVar:

NM_016553.5(NUP62):c.841A>G (p.Thr281Ala)

Genes: IL4I1 (interleukin 4 induced 1; minus strand), NUP62 (nucleoporin 62; minus strand). Cytogenetic location: 19q13.33.
Variant type: single nucleotide variant.
Coding change: c.841A>G on transcript NM_016553.5 (MANE Select); coding-DNA position 841, A replaced by G.
Protein change: p.Thr281Ala; replaces threonine 281 with alanine.
Molecular consequence: missense variant. On other transcripts: intron variant (3).
Genome position (GRCh38, 1-based): chr19:49,908,967, T>C on the plus strand (A>G on the coding strand, the complement: NUP62 is on the minus strand). VCF-style: chr19-49908967-T-C. GRCh37 (hg19) VCF-style: chr19-50412224-T-C.
Other names: c.841A>G, p.Thr281Ala (NM_153718.4, NM_153719.4, NM_001193357.2 and 1 more transcripts); c.-227-4646A>G (NM_001258017.2, NM_172374.3); c.-285-4646A>G (NM_001258018.2); short protein forms T281A.
Identifiers: ClinVar variation 1525726 (VCV001525726.10), dbSNP rs140091070, ClinGen allele CA9589018.

ClinVar aggregate classification (germline): Uncertain significance. Review status: criteria provided, single submitter (1 of 4 stars). 2 submissions from 2 submitters: Uncertain significance (1). 1 of the submissions does not count toward it. Last evaluated 2026-01-27.

Conditions:
NUP62-related disorder. Also called: NUP62-related condition.

Allele frequency attached by ClinVar (database versions not stated): gnomAD 0.00047 and 0.00046; ESP Exome Variant Server 0.00069; gnomAD exomes 0.00004 and 0.00013; ExAC 0.00020; TOPMed 0.00058.
gnomAD v4.1: 135 of 1,607,612 alleles (0.0084%); highest among the groups gnomAD compares: African/African-American, 0.14%; no homozygotes.

Submissions (2):

Labcorp Genetics (formerly Invitae), Labcorp
Classification: Uncertain significance. Last evaluated: 2026-01-27. Review status: criteria provided, single submitter. Criteria: Invitae Variant Classification Sherloc (09022015). Collection method: clinical testing. Allele origin: germline.
Comment: This sequence change replaces threonine, which is neutral and polar, with alanine, which is neutral and non-polar, at codon 281 of the NUP62 protein (p.Thr281Ala). This variant is present in population databases (rs140091070, gnomAD 0.2%), and has an allele count higher than expected for a pathogenic variant. This variant has not been reported in the literature in individuals affected with NUP62-related conditions. ClinVar contains an entry for this variant (Variation ID: 1525726). An algorithm developed to predict the effect of missense changes on protein structure and function outputs the following: PolyPhen-2: "Benign". The alanine amino acid residue is found in multiple mammalian species, which suggests that this missense change does not adversely affect protein function. In summary, the available evidence is currently insufficient to determine the role of this variant in disease. Therefore, it has been classified as a Variant of Uncertain Significance.

PreventionGenetics, part of Exact Sciences
Classification: Likely benign for NUP62-related condition. Last evaluated: 2023-04-24. Review status: no assertion criteria provided. Collection method: clinical testing. Allele origin: germline. Not counted in ClinVar's aggregate classification.
Comment: This variant is classified as likely benign based on ACMG/AMP sequence variant interpretation guidelines (Richards et al. 2015 PMID: 25741868, with internal and published modifications).